The following is an entry in ClinVar:

NM_003079.5(SMARCE1):c.436A>G (p.Lys146Glu)

Gene: SMARCE1 (SWI/SNF related BAF chromatin remodeling complex subunit E1; minus strand). Cytogenetic location: 17q21.2.
Variant type: single nucleotide variant.
Coding change: c.436A>G on transcript NM_003079.5 (MANE Select); coding-DNA position 436, A replaced by G.
Protein change: p.Lys146Glu; replaces lysine 146 with glutamic acid.
Molecular consequence: missense variant.
Genome position (GRCh38, 1-based): chr17:40,636,036, T>C on the plus strand (A>G on the coding strand, the complement: SMARCE1 is on the minus strand). VCF-style: chr17-40636036-T-C. GRCh37 (hg19) VCF-style: chr17-38792288-T-C.
Other names: short protein forms K146E.
Identifiers: ClinVar variation 3780998 (VCV003780998.1).

ClinVar aggregate classification (germline): Pathogenic (1 of 4 stars; one submission).

Submission:

GeneDx
Classification: Pathogenic. Last evaluated: 2024-10-14. Review status: criteria provided, single submitter. Criteria: GeneDx Variant Classification Process June 2021. Collection method: clinical testing. Allele origin: germline. Affected: yes.
Comment: In silico analysis supports that this missense variant has a deleterious effect on protein structure/function; Has not been previously published as pathogenic or benign to our knowledge; Not observed at significant frequency in large population cohorts (gnomAD); In silico analysis suggests this variant may impact gene splicing. In the absence of RNA/functional studies, the actual effect of this sequence change is unknown.